The following is an entry in ClinVar:

NM_000059.4(BRCA2):c.5812_5813delinsC (p.Gly1938fs)

Gene: BRCA2 (BRCA2 DNA repair associated; plus strand). Cytogenetic location: 13q13.1.
Variant type: Indel.
Coding change: c.5812_5813delinsC on transcript NM_000059.4 (MANE Select); coding-DNA positions 5812 to 5813, GG replaced by C.
Protein change: p.Gly1938fs; shifts the reading frame from glycine 1938.
Molecular consequence: frameshift variant.
Genome position (GRCh38, 1-based): chr13:32,340,167-32,340,168, GG replaced by C. VCF-style: chr13-32340167-GG-C. GRCh37 (hg19) VCF-style: chr13-32914304-GG-C.
Other names: c.5812_5813delGGinsC, p.Gly1938Hisfs (NM_001406719.1, NM_001406720.1); short protein forms G1938fs.
Identifiers: ClinVar variation 1749853 (VCV001749853.2), dbSNP rs2548531820, ClinGen allele CA2580087780.
Genomic context (GRCh38, chr13:32,340,167, plus strand): 5'-CATAAGGTTTTTGCTGACATTCAGAGTGAAGAAATTTTACAACATAACCAAAATATGTCT[GG>C]ATTGGAGAAAGTTTCTAAAATATCACCTTGTGATGTTAGTTTGGAAACTTCAGATATATG-3'

ClinVar aggregate classification (germline): Pathogenic (1 of 4 stars; one submission).

Conditions:
Hereditary cancer-predisposing syndrome. Also called: Hereditary Cancer Syndrome; Hereditary neoplastic syndrome; Neoplastic Syndromes, Hereditary; Tumor predisposition. Identifiers: Orphanet 140162, MedGen C0027672, MeSH D009386, MONDO:0015356.

Submission:

Ambry Genetics
Classification: Pathogenic for Hereditary cancer-predisposing syndrome. Last evaluated: 2020-11-19. Review status: criteria provided, single submitter. Criteria: Ambry Variant Classification Scheme 2023. Collection method: clinical testing. Allele origin: germline.
Comment: The c.5812_5813delGGinsC pathogenic mutation, located in coding exon 10 of the BRCA2 gene, results from the deletion of two nucleotides and insertion of one nucleotide causing a translational frameshift with a predicted alternate stop codon (p.G1938Hfs*25). This alteration is expected to result in loss of function by premature protein truncation or nonsense-mediated mRNA decay. As such, this alteration is interpreted as a disease-causing mutation.